The following is an entry in ClinVar:

NM_005996.4(TBX3):c.1628C>T (p.Ser543Phe)

Gene: TBX3 (T-box transcription factor 3; minus strand). Cytogenetic location: 12q24.21.
Variant type: single nucleotide variant.
Coding change: c.1628C>T on transcript NM_005996.4 (MANE Select); coding-DNA position 1628, C replaced by T.
Protein change: p.Ser543Phe; replaces serine 543 with phenylalanine.
Molecular consequence: missense variant.
Genome position (GRCh38, 1-based): chr12:114,674,247, G>A on the plus strand (C>T on the coding strand, the complement: TBX3 is on the minus strand). VCF-style: chr12-114674247-G-A. GRCh37 (hg19) VCF-style: chr12-115112052-G-A.
Other names: c.1688C>T, p.Ser563Phe (NM_016569.4); short protein forms S543F, S563F.
Identifiers: ClinVar variation 1499037 (VCV001499037.8), dbSNP rs1868589289, ClinGen allele CA386868550.

ClinVar aggregate classification (germline): Uncertain significance (1 of 4 stars; one submission).

Conditions:
Ulnar-mammary syndrome (UMS). Also called: PALLISTER ULNAR-MAMMARY SYNDROME; SCHINZEL SYNDROME; Ulnar-mammary syndrome of Pallister. Identifiers: Orphanet 3138, MedGen C1866994, MONDO:0008411, OMIM 181450.

Submission:

Labcorp Genetics (formerly Invitae), Labcorp
Classification: Uncertain significance for Ulnar-mammary syndrome. Last evaluated: 2020-12-30. Review status: criteria provided, single submitter. Criteria: Invitae Variant Classification Sherloc (09022015). Collection method: clinical testing. Allele origin: germline.
Comment: In summary, the available evidence is currently insufficient to determine the role of this variant in disease. Therefore, it has been classified as a Variant of Uncertain Significance. This sequence change replaces serine with phenylalanine at codon 543 of the TBX3 protein (p.Ser543Phe). The serine residue is moderately conserved and there is a large physicochemical difference between serine and phenylalanine. This variant is not present in population databases (ExAC no frequency). This variant has not been reported in the literature in individuals with TBX3-related conditions. Algorithms developed to predict the effect of missense changes on protein structure and function are either unavailable or do not agree on the potential impact of this missense change (SIFT: "Tolerated"; PolyPhen-2: "Possibly Damaging"; Align-GVGD: "Class C0").